The following is an entry in ClinVar:

NM_001042545.2(LTBP4):c.3035_3036insA (p.Tyr1013fs)

Gene: LTBP4 (latent transforming growth factor beta binding protein 4; plus strand). Cytogenetic location: 19q13.2.
Variant type: Insertion.
Coding change: c.3035_3036insA on transcript NM_001042545.2 (MANE Select); coding-DNA positions 3035 to 3036, A inserted.
Protein change: p.Tyr1013fs; shifts the reading frame from tyrosine 1013.
Molecular consequence: frameshift variant.
Genome position: GRCh38 VCF-style: chr19-40617190-G-GA. GRCh37 (hg19) VCF-style: chr19-41123095-G-GA.
Other names: c.3236_3237insA, p.Tyr1080fs (NM_001042544.1); c.3125_3126insA, p.Tyr1043fs (NM_003573.2); short protein forms Y1080fs, Y1013fs, Y1043fs.
Identifiers: ClinVar variation 2770690 (VCV002770690.3), dbSNP rs2515374018, ClinGen allele CA2697556609.

ClinVar aggregate classification (germline): Pathogenic (1 of 4 stars; one submission).

Submission:

Labcorp Genetics (formerly Invitae), Labcorp
Classification: Pathogenic. Last evaluated: 2023-10-24. Review status: criteria provided, single submitter. Criteria: Invitae Variant Classification Sherloc (09022015). Collection method: clinical testing. Allele origin: germline.
Comment: This sequence change creates a premature translational stop signal (p.Tyr1043Leufs*17) in the LTBP4 gene. It is expected to result in an absent or disrupted protein product. Loss-of-function variants in LTBP4 are known to be pathogenic (PMID: 19836010, 22829427). This variant is not present in population databases (gnomAD no frequency). This variant has not been reported in the literature in individuals affected with LTBP4-related conditions. For these reasons, this variant has been classified as Pathogenic.

Literature cited by the submitters: PubMed 19836010; PubMed 22829427.